The following is an entry in ClinVar:

NM_033380.3(COL4A5):c.1090C>T (p.Pro364Ser)

Gene: COL4A5 (collagen type IV alpha 5 chain; plus strand). Cytogenetic location: Xq22.3.
Variant type: single nucleotide variant.
Coding change: c.1090C>T on transcript NM_033380.3 (MANE Select); coding-DNA position 1090, C replaced by T.
Protein change: p.Pro364Ser; replaces proline 364 with serine.
Molecular consequence: missense variant.
Genome position (GRCh38, 1-based): chrX:108,586,672, C>T. VCF-style: chrX-108586672-C-T. GRCh37 (hg19) VCF-style: chrX-107829902-C-T.
Other names: c.1090C>T, p.Pro364Ser (NM_000495.5); short protein forms P364S.
Identifiers: ClinVar variation 1333642 (VCV001333642.1), dbSNP rs2147788213, ClinGen allele CA413930380.

ClinVar aggregate classification (germline): Likely pathogenic (1 of 4 stars; one submission).

Conditions:
X-linked Alport syndrome (ATS1). Also called: NEPHROPATHY AND DEAFNESS, X-LINKED; COL4A5-Related Nephropathy. Identifiers: Orphanet 63, Orphanet 88917, MedGen C4746986, MONDO:0010520, OMIM 301050.

Submission:

3billion
Classification: Likely pathogenic for X-linked Alport syndrome. Last evaluated: 2022-01-03. Review status: criteria provided, single submitter. Criteria: ACMG Guidelines, 2015. Collection method: clinical testing. Allele origin: germline. Affected: yes. Observed: 1 heterozygote.
Comment: The variant is located in a well-established functional domain or exonic hotspot, where pathogenic variants have frequently reported (PM1_M). In silico tool predictions suggest damaging effect of the variant on gene or gene product (REVEL: 0.746, PP3_P). A missense variant is a common mechanism associated with Alport syndrome 1 (PP2_P). It is not observed in the gnomAD v2.1.1 dataset (PM2_M).Therefore, this variant is classified as likely pathogenic according to the recommendation of ACMG/AMP guideline.